The following is an entry in ClinVar:

ClinVar aggregate classification (germline): Uncertain significance (1 of 4 stars; one submission).

Allele frequency attached by ClinVar (database versions not stated): TOPMed 0.00001.

Submission:

Labcorp Genetics (formerly Invitae), Labcorp
Classification: Uncertain significance. Last evaluated: 2021-03-07. Review status: criteria provided, single submitter. Criteria: Invitae Variant Classification Sherloc (09022015). Collection method: clinical testing. Allele origin: germline.
Comment: This sequence change replaces alanine with threonine at codon 2384 of the EYS protein (p.Ala2384Thr). The alanine residue is highly conserved and there is a small physicochemical difference between alanine and threonine. This variant is not present in population databases (ExAC no frequency). This variant has not been reported in the literature in individuals with EYS-related conditions. Algorithms developed to predict the effect of missense changes on protein structure and function output the following: SIFT: "Deleterious"; PolyPhen-2: "Probably Damaging"; Align-GVGD: "Class C55". The threonine amino acid residue is found in multiple mammalian species, suggesting that this missense change does not adversely affect protein function. These predictions have not been confirmed by published functional studies and their clinical significance is uncertain. In summary, the available evidence is currently insufficient to determine the role of this variant in disease. Therefore, it has been classified as a Variant of Uncertain Significance.

NM_001142800.2(EYS):c.7150G>A (p.Ala2384Thr)

Gene: EYS (EGF-like photoreceptor maintenance factor; minus strand). Cytogenetic location: 6q12.
Variant type: single nucleotide variant.
Coding change: c.7150G>A on transcript NM_001142800.2 (MANE Select); coding-DNA position 7150, G replaced by A.
Protein change: p.Ala2384Thr; replaces alanine 2384 with threonine.
Molecular consequence: missense variant.
Genome position (GRCh38, 1-based): chr6:63,864,264, C>T on the plus strand (G>A on the coding strand, the complement: EYS is on the minus strand). VCF-style: chr6-63864264-C-T. GRCh37 (hg19) VCF-style: chr6-64574157-C-T.
Other names: c.7150G>A, p.Ala2384Thr (NM_001292009.2); short protein forms A2384T.
Identifiers: ClinVar variation 1488992 (VCV001488992.8), dbSNP rs954585421, ClinGen allele CA140252579.